The following is an entry in ClinVar:

NM_000021.4(PSEN1):c.*3941C>A

Gene: PSEN1 (presenilin 1; plus strand). Cytogenetic location: 14q24.2.
Variant type: single nucleotide variant.
Coding change: c.*3941C>A on transcript NM_000021.4 (MANE Select); 3941 bases downstream of the stop codon, C replaced by A.
Molecular consequence: 3 prime UTR variant.
Genome position (GRCh38, 1-based): chr14:73,223,230, C>A. VCF-style: chr14-73223230-C-A. GRCh37 (hg19) VCF-style: chr14-73689938-C-A.
Other names: c.*3941C>A (NM_007318.3).
Identifiers: ClinVar variation 314004 (VCV000314004.5), dbSNP rs144455736, ClinGen allele CA10644684.

ClinVar aggregate classification (germline): Conflicting classifications of pathogenicity. Review status: criteria provided, conflicting classifications (1 of 4 stars). 2 submissions from 1 submitter: Uncertain significance (1); Likely benign (1). Last evaluated 2018-01-13.

Conditions:
Dilated cardiomyopathy 1U. Identifiers: Orphanet 154, MedGen C3160720, MONDO:0013371, OMIM 613694.
Alzheimer disease 3 (AD3). Also called: ALZHEIMER DISEASE, FAMILIAL, 3. Identifiers: Orphanet 1020, MedGen C1843013, MONDO:0011913, OMIM 607822.

Allele frequency attached by ClinVar (database versions not stated): gnomAD 0.00257 and 0.00276; TOPMed 0.00281; 1000 Genomes Project 0.00319; 1000 Genomes Project 30x 0.00344.

Submissions (2):

Illumina Laboratory Services, Illumina
Classification: Uncertain significance for Dilated cardiomyopathy 1U. Last evaluated: 2018-01-13. Review status: criteria provided, single submitter. Criteria: ICSL Variant Classification Criteria 13 December 2019. Collection method: clinical testing. Allele origin: germline.

Illumina Laboratory Services, Illumina
Classification: Likely benign for Alzheimer disease 3. Last evaluated: 2018-01-13. Review status: criteria provided, single submitter. Criteria: ICSL Variant Classification Criteria 13 December 2019. Collection method: clinical testing. Allele origin: germline.
Comment: This variant was observed in the ICSL laboratory as part of a predisposition screen in an ostensibly healthy population. It had not been previously curated by ICSL or reported in the Human Gene Mutation Database (HGMD: prior to June 1st, 2018), and was therefore a candidate for classification through an automated scoring system. Utilizing variant allele frequency, disease prevalence and penetrance estimates, and inheritance mode, an automated score was calculated to assess if this variant is too frequent to cause the disease. Based on the score and internal cut-off values, a variant classified as likely benign is not then subjected to further curation. The score for this variant resulted in a classification of likely benign for this disease.